The following is an entry in ClinVar:

ClinVar aggregate classification (germline): Likely pathogenic (1 of 4 stars; one submission).

Conditions:
PMM2-congenital disorder of glycosylation. Also called: Congenital disorder of glycosylation, type Ia; CDG Ia; JAEKEN SYNDROME; PHOSPHOMANNOMUTASE 2 DEFICIENCY; CARBOHYDRATE-DEFICIENT GLYCOPROTEIN SYNDROME, TYPE Ia; PMM2-CDG. Identifiers: Orphanet 79318, MedGen C0349653, MONDO:0008907, OMIM 212065.

gnomAD v4.1: 2 of 1,558,092 alleles (0.00013%); highest among the groups gnomAD compares: Non-Finnish European, 0.00017%; no homozygotes.

Submission:

Natera, Inc.
Classification: Likely pathogenic for Congenital disorder of glycosylation type 1a. Last evaluated: 2025-04-24. Review status: criteria provided, single submitter. Criteria: Natera Variant Classification Schema (03/2026). Collection method: clinical testing. Allele origin: germline.
Comment: The c.436G>T variant in PMM2 is a nonsense variant predicted to introduce a stop codon at amino acid 146. This variant is expected to result in nonsense mediated decay, truncation, or a dysfunctional protein product. This variant is rare in the general population with a frequency below the threshold expected for the associated phenotype(s). Given the available evidence, this variant is classified as Likely Pathogenic.

NM_000303.3(PMM2):c.436G>T (p.Glu146Ter)

Gene: PMM2 (phosphomannomutase 2; plus strand). Cytogenetic location: 16p13.2.
Variant type: single nucleotide variant.
Coding change: c.436G>T on transcript NM_000303.3 (MANE Select); coding-DNA position 436, G replaced by T.
Protein change: p.Glu146Ter; replaces glutamic acid 146 with a stop codon.
Molecular consequence: nonsense.
Genome position (GRCh38, 1-based): chr16:8,811,167, G>T. VCF-style: chr16-8811167-G-T. GRCh37 (hg19) VCF-style: chr16-8905024-G-T.
Other names: short protein forms E146*.
Identifiers: ClinVar variation 4060428 (VCV004060428.2).